The following is an entry in ClinVar:

NM_020320.5(RARS2):c.9C>T (p.Cys3=)

Gene: RARS2 (arginyl-tRNA synthetase 2, mitochondrial; minus strand). Cytogenetic location: 6q15.
Variant type: single nucleotide variant.
Coding change: c.9C>T on transcript NM_020320.5 (MANE Select); coding-DNA position 9, C replaced by T.
Protein change: p.Cys3=; no amino-acid change (cysteine 3 retained).
Molecular consequence: synonymous variant. On other transcripts: 5 prime UTR variant (7), non-coding transcript variant (23).
Genome position (GRCh38, 1-based): chr6:87,589,949, G>A on the plus strand (C>T on the coding strand, the complement: RARS2 is on the minus strand). VCF-style: chr6-87589949-G-A. GRCh37 (hg19) VCF-style: chr6-88299667-G-A.
Other names: c.-682C>T (NM_001318785.2); c.9C>T, p.Cys3= (NM_001350505.2); c.-738C>T (NM_001350506.2, NM_001350510.2); c.-861C>T (NM_001350507.2); c.-900C>T (NM_001350508.2); c.-608C>T (NM_001350509.2); c.-857C>T (NM_001350511.2).
Identifiers: ClinVar variation 383484 (VCV000383484.9), dbSNP rs762495974, ClinGen allele CA16605004.

ClinVar aggregate classification (germline): Likely benign. Review status: criteria provided, multiple submitters, no conflicts (2 of 4 stars). 2 submissions from 2 submitters: Likely benign (2). Last evaluated 2023-12-19.

Allele frequency attached by ClinVar (database versions not stated): TOPMed 0.00002; gnomAD 0.00003.
gnomAD v4.1: 19 of 1,609,598 alleles (0.0012%); highest among the groups gnomAD compares: East Asian, 0.0022%; no homozygotes.

Submissions (2):

Labcorp Genetics (formerly Invitae), Labcorp
Classification: Likely benign. Last evaluated: 2023-12-19. Review status: criteria provided, single submitter. Criteria: Invitae Variant Classification Sherloc (09022015). Collection method: clinical testing. Allele origin: germline.

GeneDx
Classification: Likely benign. Last evaluated: 2016-02-23. Review status: criteria provided, single submitter. Criteria: GeneDx Variant Classification (06012015). Collection method: clinical testing. Allele origin: germline. Affected: yes.
Comment: This variant is considered likely benign or benign based on one or more of the following criteria: it is a conservative change, it occurs at a poorly conserved position in the protein, it is predicted to be benign by multiple in silico algorithms, and/or has population frequency not consistent with disease.